The following is an entry in ClinVar:

NM_033380.3(COL4A5):c.2455G>A (p.Gly819Ser)

Gene: COL4A5 (collagen type IV alpha 5 chain; plus strand). Cytogenetic location: Xq22.3.
Variant type: single nucleotide variant.
Coding change: c.2455G>A on transcript NM_033380.3 (MANE Select); coding-DNA position 2455, G replaced by A.
Protein change: p.Gly819Ser; replaces glycine 819 with serine.
Molecular consequence: missense variant.
Genome position (GRCh38, 1-based): chrX:108,614,970, G>A. VCF-style: chrX-108614970-G-A. GRCh37 (hg19) VCF-style: chrX-107858200-G-A.
Other names: c.2455G>A, p.Gly819Ser (NM_000495.5); short protein forms G819S.
Identifiers: ClinVar variation 3636324 (VCV003636324.2).

ClinVar aggregate classification (germline): Uncertain significance (1 of 4 stars; one submission).

Submission:

Labcorp Genetics (formerly Invitae), Labcorp
Classification: Uncertain significance. Last evaluated: 2024-07-19. Review status: criteria provided, single submitter. Criteria: Invitae Variant Classification Sherloc (09022015). Collection method: clinical testing. Allele origin: germline.
Comment: This sequence change replaces glycine, which is neutral and non-polar, with serine, which is neutral and polar, at codon 819 of the COL4A5 protein (p.Gly819Ser). This variant is not present in population databases (gnomAD no frequency). This variant has not been reported in the literature in individuals affected with COL4A5-related conditions. Advanced modeling of protein sequence and biophysical properties (such as structural, functional, and spatial information, amino acid conservation, physicochemical variation, residue mobility, and thermodynamic stability) has been performed at Invitae for this missense variant, however the output from this modeling did not meet the statistical confidence thresholds required to predict the impact of this variant on COL4A5 protein function. In summary, the available evidence is currently insufficient to determine the role of this variant in disease. Therefore, it has been classified as a Variant of Uncertain Significance.